The following is an entry in ClinVar:

NM_032603.5(LOXL3):c.860A>G (p.Tyr287Cys)

Gene: LOXL3 (lysyl oxidase like 3; minus strand). Cytogenetic location: 2p13.1.
Variant type: single nucleotide variant.
Coding change: c.860A>G on transcript NM_032603.5 (MANE Select); coding-DNA position 860, A replaced by G.
Protein change: p.Tyr287Cys; replaces tyrosine 287 with cysteine.
Molecular consequence: missense variant. On other transcripts: intron variant (2).
Genome position (GRCh38, 1-based): chr2:74,536,761, T>C on the plus strand (A>G on the coding strand, the complement: LOXL3 is on the minus strand). VCF-style: chr2-74536761-T-C. GRCh37 (hg19) VCF-style: chr2-74763888-T-C.
Other names: c.478-290A>G (NM_001289164.3); c.-171-290A>G (NM_001289165.2); short protein forms Y287C.
Identifiers: ClinVar variation 2132351 (VCV002132351.4), dbSNP rs757513331, ClinGen allele CA1729066.

ClinVar aggregate classification (germline): Uncertain significance (1 of 4 stars; one submission).

Allele frequency attached by ClinVar (database versions not stated): gnomAD exomes 0.00002; ExAC 0.00006.
gnomAD v4.1: 11 of 1,614,182 alleles (0.00068%); highest among the groups gnomAD compares: Non-Finnish European, 0.00085%; no homozygotes.

Submission:

Labcorp Genetics (formerly Invitae), Labcorp
Classification: Uncertain significance. Last evaluated: 2022-08-12. Review status: criteria provided, single submitter. Criteria: Invitae Variant Classification Sherloc (09022015). Collection method: clinical testing. Allele origin: germline.
Comment: This sequence change replaces tyrosine, which is neutral and polar, with cysteine, which is neutral and slightly polar, at codon 287 of the LOXL3 protein (p.Tyr287Cys). In summary, the available evidence is currently insufficient to determine the role of this variant in disease. Therefore, it has been classified as a Variant of Uncertain Significance. Algorithms developed to predict the effect of missense changes on protein structure and function (SIFT, PolyPhen-2, Align-GVGD) all suggest that this variant is likely to be disruptive. This variant has not been reported in the literature in individuals affected with LOXL3-related conditions. This variant is present in population databases (rs757513331, gnomAD 0.006%).